The following is an entry in ClinVar:

ClinVar aggregate classification (germline): Uncertain significance (1 of 4 stars; one submission).

Conditions:
RASopathy. Also called: Noonan spectrum disorder; rasopathies. Identifiers: Orphanet 536391, MedGen C5555857, MONDO:0021060.

Submission:

Labcorp Genetics (formerly Invitae), Labcorp
Classification: Uncertain significance for RASopathy. Last evaluated: 2024-12-19. Review status: criteria provided, single submitter. Criteria: Invitae Variant Classification Sherloc (09022015). Collection method: clinical testing. Allele origin: germline.
Comment: This sequence change replaces methionine, which is neutral and non-polar, with isoleucine, which is neutral and non-polar, at codon 470 of the CBL protein (p.Met470Ile). This variant is not present in population databases (gnomAD no frequency). This variant has not been reported in the literature in individuals affected with CBL-related conditions. Invitae Evidence Modeling of protein sequence and biophysical properties (such as structural, functional, and spatial information, amino acid conservation, physicochemical variation, residue mobility, and thermodynamic stability) indicates that this missense variant is not expected to disrupt CBL protein function with a negative predictive value of 95%. In summary, the available evidence is currently insufficient to determine the role of this variant in disease. Therefore, it has been classified as a Variant of Uncertain Significance.

NM_005188.4(CBL):c.1410G>A (p.Met470Ile)

Gene: CBL (Cbl proto-oncogene; plus strand). Cytogenetic location: 11q23.3.
Variant type: single nucleotide variant.
Coding change: c.1410G>A on transcript NM_005188.4 (MANE Select); coding-DNA position 1410, G replaced by A.
Protein change: p.Met470Ile; replaces methionine 470 with isoleucine.
Molecular consequence: missense variant.
Genome position (GRCh38, 1-based): chr11:119,278,692, G>A. VCF-style: chr11-119278692-G-A. GRCh37 (hg19) VCF-style: chr11-119149402-G-A.
Other names: short protein forms M470I.
Identifiers: ClinVar variation 3633287 (VCV003633287.2).
Genomic context (GRCh38, chr11:119,278,692, plus strand): 5'-TCCCTCCCCAAATTATGATGATGATGATGATGAACGAGCTGATGATACTCTCTTCATGAT[G>A]AAGGAATTGGCTGGTGCCAAGGTAAGATGGCAGTTTAGGAGACTGGCAAAATCCATTGTG-3'
Protein context (NP_005179.2, residues 460-480): DERADDTLFM[Met470Ile]KELAGAKVER